The following is an entry in ClinVar:

NM_004304.5(ALK):c.3637C>A (p.Pro1213Thr)

Gene: ALK (ALK receptor tyrosine kinase; minus strand). Cytogenetic location: 2p23.2.
Variant type: single nucleotide variant.
Coding change: c.3637C>A on transcript NM_004304.5 (MANE Select); coding-DNA position 3637, C replaced by A.
Protein change: p.Pro1213Thr; replaces proline 1213 with threonine.
Molecular consequence: missense variant.
Genome position (GRCh38, 1-based): chr2:29,220,714, G>T on the plus strand (C>A on the coding strand, the complement: ALK is on the minus strand). VCF-style: chr2-29220714-G-T. GRCh37 (hg19) VCF-style: chr2-29443580-G-T.
Other names: c.433C>A, p.Pro145Thr (NM_001353765.2); c.3637C>A (NM_004304.4); short protein forms P1213T, P145T.
Identifiers: ClinVar variation 2813146 (VCV002813146.4), dbSNP rs2148166304, ClinGen allele CA346472961.
Genomic context (GRCh38, chr2:29,220,714, plus strand): 5'-CTTGCTCCTGTCCTTGGCACAACAACTGCAGCAAAGACTGGTTCTCACTCACCGGGCGAG[G>T]GCGGGTCTCTCGGAGGAAGGACTTGAGGTCTCCCCCCGCCATGAGCTCCAGCAGGATGAA-3'
Protein context (NP_004295.2, residues 1203-1223): DLKSFLRETR[Pro1213Thr]RPSQPSSLAM

ClinVar aggregate classification (germline): Uncertain significance. Review status: criteria provided, multiple submitters, no conflicts (2 of 4 stars). 2 submissions from 2 submitters: Uncertain significance (2). Last evaluated 2026-07-30.

Conditions:
Neuroblastoma, susceptibility to, 3. Also called: ALK-Related Neuroblastic Tumor Susceptibility. Identifiers: Orphanet 635, MedGen C2751681, MONDO:0013083, OMIM 613014.
Hereditary cancer-predisposing syndrome. Also called: Hereditary Cancer Syndrome; Hereditary neoplastic syndrome; Neoplastic Syndromes, Hereditary; Tumor predisposition. Identifiers: Orphanet 140162, MedGen C0027672, MeSH D009386, MONDO:0015356.

Submissions (2):

Ambry Genetics
Classification: Uncertain significance for Hereditary cancer-predisposing syndrome. Last evaluated: 2026-07-30. Review status: criteria provided, single submitter. Criteria: Ambry Variant Classification Scheme 2023. Collection method: clinical testing. Allele origin: germline.
Comment: The p.P1213T variant (also known as c.3637C>A), located in coding exon 23 of the ALK gene, results from a C to A substitution at nucleotide position 3637. The proline at codon 1213 is replaced by threonine, an amino acid with highly similar properties. This amino acid position is highly conserved in available vertebrate species. In addition, the in silico prediction for this alteration is inconclusive. Based on the available evidence, the clinical significance of this variant remains unclear.

Labcorp Genetics (formerly Invitae), Labcorp
Classification: Uncertain significance for Neuroblastoma, susceptibility to, 3. Last evaluated: 2022-11-09. Review status: criteria provided, single submitter. Criteria: Invitae Variant Classification Sherloc (09022015). Collection method: clinical testing. Allele origin: germline.
Comment: This sequence change replaces proline, which is neutral and non-polar, with threonine, which is neutral and polar, at codon 1213 of the ALK protein (p.Pro1213Thr). This variant is not present in population databases (gnomAD no frequency). This variant has not been reported in the literature in individuals affected with ALK-related conditions. Algorithms developed to predict the effect of missense changes on protein structure and function are either unavailable or do not agree on the potential impact of this missense change (SIFT: "Deleterious"; PolyPhen-2: "Probably Damaging"; Align-GVGD: "Class C0"). In summary, the available evidence is currently insufficient to determine the role of this variant in disease. Therefore, it has been classified as a Variant of Uncertain Significance.